The following is an entry in ClinVar:

NM_025152.3(NUBPL):c.255del (p.Ala85_Val86insTer)

Gene: NUBPL (NUBP iron-sulfur cluster assembly factor, mitochondrial; plus strand). Cytogenetic location: 14q12.
Variant type: Deletion.
Coding change: c.255del on transcript NM_025152.3 (MANE Select); coding-DNA position 255, one base deleted (A; older notation c.255delA).
Protein change: p.Ala85_Val86insTer.
Molecular consequence: frameshift variant. On other transcripts: non-coding transcript variant (1).
Genome position (GRCh38, 1-based): chr14:31,562,214, A deleted. VCF-style (leftmost placement, unchanged base first): chr14-31562213-CA-C. GRCh37 (hg19) VCF-style: chr14-32031419-CA-C.
Identifiers: ClinVar variation 5005318 (VCV005005318.2).

ClinVar aggregate classification (germline): Likely pathogenic (1 of 4 stars; one submission).

Conditions:
Mitochondrial complex I deficiency, nuclear type 21. Also called: Mitochondrial complex 1 deficiency, nuclear type 21. Identifiers: MedGen C4748792, MONDO:0032625, OMIM 618242.

Submission:

Juno Genomics, Hangzhou Juno Genomics, Inc
Classification: Likely pathogenic for Mitochondrial complex I deficiency, nuclear type 21. Review status: criteria provided, single submitter. Criteria: ACMG Guidelines, 2015. Collection method: clinical testing. Allele origin: germline.
Comment: Null variant in a gene where loss of function (LOF) is a known mechanism of disease.;Absent from controls (or at extremely low frequency if recessive) in Genome Aggregation Database.